The following is an entry in ClinVar:

ClinVar aggregate classification (germline): Uncertain significance (1 of 4 stars; one submission).

Conditions:
Cardiovascular phenotype. Identifiers: MedGen CN230736.

Submission:

Ambry Genetics
Classification: Uncertain significance for Cardiovascular phenotype. Last evaluated: 2024-06-09. Review status: criteria provided, single submitter. Criteria: Ambry Variant Classification Scheme 2023. Collection method: clinical testing. Allele origin: germline.
Comment: The p.N2414T variant (also known as c.7241A>C), located in coding exon 31 of the AKAP9 gene, results from an A to C substitution at nucleotide position 7241. The asparagine at codon 2414 is replaced by threonine, an amino acid with similar properties. This amino acid position is conserved. In addition, this alteration is predicted to be tolerated by in silico analysis. Based on the available evidence, the clinical significance of this variant remains unclear.

NM_005751.5(AKAP9):c.7241A>C (p.Asn2414Thr)

Gene: AKAP9 (A-kinase anchoring protein 9; plus strand). Cytogenetic location: 7q21.2.
Variant type: single nucleotide variant.
Coding change: c.7241A>C on transcript NM_005751.5 (MANE Select); coding-DNA position 7241, A replaced by C.
Protein change: p.Asn2414Thr; replaces asparagine 2414 with threonine.
Molecular consequence: missense variant.
Genome position (GRCh38, 1-based): chr7:92,079,374, A>C. VCF-style: chr7-92079374-A-C. GRCh37 (hg19) VCF-style: chr7-91708688-A-C.
Other names: c.1886A>C, p.Asn629Thr (NM_001379277.1); c.7217A>C, p.Asn2406Thr (NM_147185.3); short protein forms N2406T, N629T, N2414T.
Identifiers: ClinVar variation 3282187 (VCV003282187.1).
Genomic context (GRCh38, chr7:92,079,374, plus strand): 5'-AAAAGCTGGCCTTGGAACAGCAAGTAGAAACCGCTAATGAAGAAATGACCTTCATGAAAA[A>C]TGTACTTAAAGAAACCAATTTTAAAATGAATCAGCTAACACAGGAATTATTCAGCTTAAA-3'
Protein context (NP_005742.4, residues 2404-2424): TANEEMTFMK[Asn2414Thr]VLKETNFKMN